The following is an entry in ClinVar:

NM_001651.4(AQP5):c.725C>T (p.Thr242Met)

Gene: AQP5 (aquaporin 5; plus strand). Cytogenetic location: 12q13.12.
Variant type: single nucleotide variant.
Coding change: c.725C>T on transcript NM_001651.4 (MANE Select); coding-DNA position 725, C replaced by T.
Protein change: p.Thr242Met; replaces threonine 242 with methionine.
Molecular consequence: missense variant.
Genome position (GRCh38, 1-based): chr12:49,965,104, C>T. VCF-style: chr12-49965104-C-T. GRCh37 (hg19) VCF-style: chr12-50358887-C-T.
Other names: short protein forms T242M.
Identifiers: ClinVar variation 3628450 (VCV003628450.2).

ClinVar aggregate classification (germline): Uncertain significance (1 of 4 stars; one submission).

Submission:

Labcorp Genetics (formerly Invitae), Labcorp
Classification: Uncertain significance. Last evaluated: 2024-09-01. Review status: criteria provided, single submitter. Criteria: Invitae Variant Classification Sherloc (09022015). Collection method: clinical testing. Allele origin: germline.
Comment: This sequence change replaces threonine, which is neutral and polar, with methionine, which is neutral and non-polar, at codon 242 of the AQP5 protein (p.Thr242Met). This variant is present in population databases (rs764910180, gnomAD 0.006%). This variant has not been reported in the literature in individuals affected with AQP5-related conditions. An algorithm developed to predict the effect of missense changes on protein structure and function (PolyPhen-2) suggests that this variant is likely to be tolerated. In summary, the available evidence is currently insufficient to determine the role of this variant in disease. Therefore, it has been classified as a Variant of Uncertain Significance.